The following is an entry in ClinVar:

ClinVar aggregate classification (germline): Uncertain significance. Review status: criteria provided, multiple submitters, no conflicts (2 of 4 stars). 2 submissions from 2 submitters: Uncertain significance (2). Last evaluated 2024-10-29.

Conditions:
Inborn genetic diseases. Identifiers: MedGen C0950123, MeSH D030342.
Glycogen storage disease type III (GSD3). Also called: Cori disease; FORBES DISEASE. Identifiers: Orphanet 366, MedGen C0017922, MONDO:0009291, OMIM 232400.

Allele frequency attached by ClinVar (database versions not stated): ExAC 0.00001.

Submissions (2):

Ambry Genetics
Classification: Uncertain significance for Inborn genetic diseases. Last evaluated: 2024-10-29. Review status: criteria provided, single submitter. Criteria: Ambry Variant Classification Scheme 2023. Collection method: clinical testing. Allele origin: germline.

Labcorp Genetics (formerly Invitae), Labcorp
Classification: Uncertain significance for Glycogen storage disease type III. Last evaluated: 2022-02-06. Review status: criteria provided, single submitter. Criteria: Invitae Variant Classification Sherloc (09022015). Collection method: clinical testing. Allele origin: germline.
Comment: This sequence change replaces glycine, which is neutral and non-polar, with arginine, which is basic and polar, at codon 54 of the AGL protein (p.Gly54Arg). This variant is present in population databases (rs781683317, gnomAD 0.0009%). This variant has not been reported in the literature in individuals affected with AGL-related conditions. Algorithms developed to predict the effect of missense changes on protein structure and function are either unavailable or do not agree on the potential impact of this missense change (SIFT: "Deleterious"; PolyPhen-2: "Benign"; Align-GVGD: "Class C0"). Algorithms developed to predict the effect of sequence changes on RNA splicing suggest that this variant may create or strengthen a splice site. In summary, the available evidence is currently insufficient to determine the role of this variant in disease. Therefore, it has been classified as a Variant of Uncertain Significance.

NM_000642.3(AGL):c.160G>A (p.Gly54Arg)

Gene: AGL (amylo-alpha-1,6-glucosidase and 4-alpha-glucanotransferase; plus strand). Cytogenetic location: 1p21.2.
Variant type: single nucleotide variant.
Coding change: c.160G>A on transcript NM_000642.3 (MANE Select); coding-DNA position 160, G replaced by A.
Protein change: p.Gly54Arg; replaces glycine 54 with arginine.
Molecular consequence: missense variant.
Genome position (GRCh38, 1-based): chr1:99,861,580, G>A. VCF-style: chr1-99861580-G-A. GRCh37 (hg19) VCF-style: chr1-100327136-G-A.
Other names: c.160G>A (NM_000642.2); c.160G>A, p.Gly54Arg (NM_000028.3, NM_000643.3, NM_000644.3 and 5 more transcripts); c.112G>A, p.Gly38Arg (NM_000646.3); short protein forms G38R, G54R.
Identifiers: ClinVar variation 2085832 (VCV002085832.2), dbSNP rs781683317, ClinGen allele CA966075.